The following continues an entry in ClinVar:

NM_000059.4(BRCA2):c.2919G>A (p.Ser973=)

Gene: BRCA2. ClinVar aggregate classification (germline): Benign. Benign (1).

Submissions 19 to 26 of 26:

GeneDx
Classification: Benign. Last evaluated: 2014-02-06. Review status: criteria provided, single submitter. Criteria: GeneDx Variant Classification (06012015). Collection method: clinical testing. Allele origin: germline. Affected: yes. Not counted in ClinVar's aggregate classification.
Comment: This variant is considered likely benign or benign based on one or more of the following criteria: it is a conservative change, it occurs at a poorly conserved position in the protein, it is predicted to be benign by multiple in silico algorithms, and/or has population frequency not consistent with disease.

BRCAlab, Lund University
Classification: Benign for Breast-ovarian cancer, familial, susceptibility to, 2. Last evaluated: 2020-03-02. Review status: no assertion criteria provided. Collection method: clinical testing. Allele origin: germline. Affected: yes. Not counted in ClinVar's aggregate classification.

Counsyl
Classification: Likely benign for Breast-ovarian cancer, familial 2. Last evaluated: 2014-11-24. Review status: no assertion criteria provided. Collection method: literature only. Allele origin: unknown. Inheritance: Autosomal dominant inheritance. Not counted in ClinVar's aggregate classification.

Breast Cancer Information Core (BIC) (BRCA2)
Classification: Uncertain significance for Breast-ovarian cancer, familial 2. Last evaluated: 2003-01-24. Review status: no assertion criteria provided. Collection method: clinical testing. Allele origin: germline. Affected: yes. Observed: 1 variant allele. Not counted in ClinVar's aggregate classification.

Clinical Genetics Laboratory, Department of Pathology, Netherlands Cancer Institute
Classification: Likely benign. Review status: no assertion criteria provided. Collection method: clinical testing. Allele origin: germline. Affected: yes. Study: VKGL Data-share Consensus. Not counted in ClinVar's aggregate classification.

Department of Pathology and Laboratory Medicine, Sinai Health System
Classification: Benign for Malignant tumor of breast. Review status: no assertion criteria provided. Collection method: clinical testing. Allele origin: unknown. Affected: yes. Study: The Canadian Open Genetics Repository (COGR). Not counted in ClinVar's aggregate classification.
Comment: The BRCA2 p.Ser973= variant was identified in 4 of 3750 proband chromosomes (frequency: 0.001) from Spanish, Cypriot, Greek, Italian and American individuals or families with FCCX (familial crc type X), and breast/ovarian (sporadic and familial) cancers and was not identified in 100 chromosomes from healthy individuals (Garre 2015, Hadjisavvas 2004, Konstantopoulou 2007, Minucci 2015, Borg 2010). The variant was also identified in dbSNP (ID: rs45525041) â€šÃ„ÃºWith other alleleâ€šÃ„Ã¹, ClinVar (classified benign, reviewed by an expert panel (June 2017); submitters: benign by ENIGMA, Invitae, GeneDx and Baylor Miraca Genetics Laboratories; likely benign by Ambry Genetics, CHEO, Counsyl, Illumina; and uncertain significance by BIC), Clinvitae (6x), LOVD 3.0 (1x), UMD-LSDB (36x as 3-uv, co-occurring with BRCA1 pathogenic variants: c.5123C>A; p.Ala1708Glu, c.5266dup; p.Gln1756ProfsX74, c.2722G>T; p.Glu908X), and BIC Database (1x, clinical importance unknown, classification pending). The variant was not identified in COGR, Cosmic, ARUP Laboratories, and Zhejiang Colon Cancer Databases. The variant was identified in control databases in 88 of 275074 chromosomes at a frequency of 0.0003 increasing the likelihood this could be a low frequency benign variant (Genome Aggregation Consortium Feb 27, 2017). Breakdown of the observations by population include Latino in 7 of 34050 chromosomes (freq. 0.0002), European Non-Finnish in 33 of 125900 chromosomes (freq. 0.0003), and South Asian in 48 of 30236 chromosomes (freq. 0.002); it was not seen in the East Asian, African, other, Ashkenazi Jewish, and European Finnish populations. The p.Ser973= variant is not expected to have clinical significance because it does not result in a change of amino acid and is not located in a known consensus splice site. In addition, in silico or computational prediction software programs (SpliceSiteFinder, MaxEntScan, NNSPLICE, GeneSplicer, HumanSpliceFinder) do not predict a difference in splicing. In summary, based on the above information this variant meets our laboratory's criteria to be classified as benign.

Joint Genome Diagnostic Labs from Nijmegen and Maastricht, Radboudumc and MUMC+
Classification: Likely benign. Review status: no assertion criteria provided. Collection method: clinical testing. Allele origin: germline. Affected: yes. Study: VKGL Data-share Consensus. Not counted in ClinVar's aggregate classification.

Laboratory of Diagnostic Genome Analysis, Leiden University Medical Center (LUMC)
Classification: Likely benign. Review status: no assertion criteria provided. Collection method: clinical testing. Allele origin: germline. Affected: yes. Study: VKGL Data-share Consensus. Not counted in ClinVar's aggregate classification.

Literature cited by the submitters: DOI 10.3389/fgene.2022.834265 (cited by National Health Laboratory Service, Universitas Academic Hospital and University of the Free State); PubMed 17453335 (cited by 3 submitters); PubMed 26306726 (cited by Illumina Laboratory Services, Illumina); PubMed 24814045 (cited by Illumina Laboratory Services, Illumina); PubMed 15172753 (cited by 3 submitters); PubMed 20041885 (cited by 3 submitters); PubMed 23096355 (cited by Women's Health and Genetics/Laboratory Corporation of America, LabCorp); PubMed 20104584 (cited by Women's Health and Genetics/Laboratory Corporation of America, LabCorp and Counsyl); PubMed 23929434 (cited by Women's Health and Genetics/Laboratory Corporation of America, LabCorp).